The following is an entry in ClinVar:

ClinVar aggregate classification (germline): Uncertain significance. Review status: criteria provided, multiple submitters, no conflicts (2 of 4 stars). 2 submissions from 2 submitters: Uncertain significance (2). Last evaluated 2025-04-13.

Conditions:
Inborn genetic diseases. Identifiers: MedGen C0950123, MeSH D030342.

Allele frequency attached by ClinVar (database versions not stated): TOPMed 0.00001.
gnomAD v4.1: 1 of 1,612,664 alleles (0.000062%); no homozygotes.

Submissions (2):

Ambry Genetics
Classification: Uncertain significance for Inborn genetic diseases. Last evaluated: 2025-04-13. Review status: criteria provided, single submitter. Criteria: Ambry Variant Classification Scheme 2023. Collection method: clinical testing. Allele origin: germline.

Labcorp Genetics (formerly Invitae), Labcorp
Classification: Uncertain significance. Last evaluated: 2022-07-15. Review status: criteria provided, single submitter. Criteria: Invitae Variant Classification Sherloc (09022015). Collection method: clinical testing. Allele origin: germline.
Comment: This sequence change replaces threonine, which is neutral and polar, with alanine, which is neutral and non-polar, at codon 761 of the VPS13D protein (p.Thr761Ala). This variant is present in population databases (no rsID available, gnomAD 0.0009%). This variant has not been reported in the literature in individuals affected with VPS13D-related conditions. Algorithms developed to predict the effect of missense changes on protein structure and function are either unavailable or do not agree on the potential impact of this missense change (SIFT: "Not Available"; PolyPhen-2: "Benign"; Align-GVGD: "Not Available"). In summary, the available evidence is currently insufficient to determine the role of this variant in disease. Therefore, it has been classified as a Variant of Uncertain Significance.

NM_015378.4(VPS13D):c.2281A>G (p.Thr761Ala)

Gene: VPS13D (vacuolar protein sorting 13 homolog D; plus strand). Cytogenetic location: 1p36.22.
Variant type: single nucleotide variant.
Coding change: c.2281A>G on transcript NM_015378.4 (MANE Select); coding-DNA position 2281, A replaced by G.
Protein change: p.Thr761Ala; replaces threonine 761 with alanine.
Molecular consequence: missense variant.
Genome position (GRCh38, 1-based): chr1:12,275,869, A>G. VCF-style: chr1-12275869-A-G. GRCh37 (hg19) VCF-style: chr1-12335926-A-G.
Other names: c.2281A>G (NM_015378.2); c.2281A>G, p.Thr761Ala (NM_018156.4); short protein forms T761A.
Identifiers: ClinVar variation 1976180 (VCV001976180.6), dbSNP rs1439629003, ClinGen allele CA338470795.